The following is an entry in ClinVar:

NM_001042492.3(NF1):c.7249_7258dup (p.Val2420fs)

Gene: NF1 (neurofibromin 1; plus strand). Cytogenetic location: 17q11.2.
Variant type: Duplication.
Coding change: c.7249_7258dup on transcript NM_001042492.3 (MANE Select); coding-DNA positions 7249 to 7258, 10 bases duplicated (CTAACTCTGG; older notation c.7249_7258dupCTAACTCTGG).
Protein change: p.Val2420fs; shifts the reading frame from valine 2420.
Molecular consequence: frameshift variant.
Genome position (GRCh38, 1-based): chr17:31,349,179-31,349,188, CTAACTCTGG duplicated. VCF-style (leftmost placement, unchanged base first): chr17-31349178-A-ACTAACTCTGG. GRCh37 (hg19) VCF-style: chr17-29676196-A-ACTAACTCTGG.
Other names: c.7186_7195dupCTAACTCTGG (NM_000267.3); c.7186_7195dup, p.Val2399Alafs (NM_000267.4); short protein forms V2399fs, V2420fs.
Identifiers: ClinVar variation 1757558 (VCV001757558.3), dbSNP rs2508801142, ClinGen allele CA2580093328.

ClinVar aggregate classification (germline): Pathogenic. Review status: criteria provided, multiple submitters, no conflicts (2 of 4 stars). 2 submissions from 2 submitters: Pathogenic (2). Last evaluated 2025-08-14.

Conditions:
Neurofibromatosis, type 1 (NF1). Also called: Peripheral type neurofibromatosis; VON RECKLINGHAUSEN DISEASE; NEUROFIBROMATOSIS, TYPE I, SOMATIC; Neurofibromatosis, type I. Identifiers: Orphanet 636, MedGen C0027831, MONDO:0018975, OMIM 162200. Disease mechanism: loss of function.
Cardiovascular phenotype. Identifiers: MedGen CN230736.
Hereditary cancer-predisposing syndrome. Also called: Neoplastic Syndromes, Hereditary; Tumor predisposition; Hereditary neoplastic syndrome; Hereditary Cancer Syndrome. Identifiers: Orphanet 140162, MedGen C0027672, MeSH D009386, MONDO:0015356.

Submissions (2):

Labcorp Genetics (formerly Invitae), Labcorp
Classification: Pathogenic for Neurofibromatosis, type 1. Last evaluated: 2025-08-14. Review status: criteria provided, single submitter. Criteria: Invitae Variant Classification Sherloc (09022015). Collection method: clinical testing. Allele origin: germline.
Comment: This sequence change creates a premature translational stop signal (p.Val2399Alafs*5) in the NF1 gene. It is expected to result in an absent or disrupted protein product. Loss-of-function variants in NF1 are known to be pathogenic (PMID: 10712197, 23913538). This variant is not present in population databases (gnomAD no frequency). This variant has not been reported in the literature in individuals affected with NF1-related conditions. ClinVar contains an entry for this variant (Variation ID: 1757558). For these reasons, this variant has been classified as Pathogenic.

Ambry Genetics
Classification: Pathogenic for Cardiovascular phenotype; Hereditary cancer-predisposing syndrome. Last evaluated: 2021-07-16. Review status: criteria provided, single submitter. Criteria: Ambry Variant Classification Scheme 2023. Collection method: clinical testing. Allele origin: germline.
Comment: The c.7186_7195dup10 variant, located in coding exon 48 of the NF1 gene, results from a duplication of CTAACTCTGG at nucleotide position 7186, causing a translational frameshift with a predicted alternate stop codon (p.V2399Afs*5). This variant is considered to be rare based on population cohorts in the Genome Aggregation Database (gnomAD). This alteration is expected to result in loss of function by premature protein truncation or nonsense-mediated mRNA decay. As such, this alteration is interpreted as a disease-causing mutation.

Literature cited by the submitters: PubMed 10712197 (cited by Labcorp Genetics (formerly Invitae), Labcorp); PubMed 23913538 (cited by Labcorp Genetics (formerly Invitae), Labcorp).